The following is an entry in ClinVar:

ClinVar aggregate classification (germline): Uncertain significance (1 of 4 stars; one submission).

Allele frequency attached by ClinVar (database versions not stated): gnomAD 0.00001; gnomAD exomes 0.00001.
gnomAD v4.1: 6 of 1,614,020 alleles (0.00037%); highest among the groups gnomAD compares: Non-Finnish European, 0.00051%; no homozygotes.

Submission:

Labcorp Genetics (formerly Invitae), Labcorp
Classification: Uncertain significance. Last evaluated: 2022-04-06. Review status: criteria provided, single submitter. Criteria: Invitae Variant Classification Sherloc (09022015). Collection method: clinical testing. Allele origin: germline.
Comment: In summary, the available evidence is currently insufficient to determine the role of this variant in disease. Therefore, it has been classified as a Variant of Uncertain Significance. Algorithms developed to predict the effect of missense changes on protein structure and function are either unavailable or do not agree on the potential impact of this missense change (SIFT: "Tolerated"; PolyPhen-2: "Probably Damaging"; Align-GVGD: "Class C0"). This variant has not been reported in the literature in individuals affected with IL12RB2-related conditions. This variant is not present in population databases (gnomAD no frequency). This sequence change replaces threonine, which is neutral and polar, with isoleucine, which is neutral and non-polar, at codon 381 of the IL12RB2 protein (p.Thr381Ile).

NM_001374259.2(IL12RB2):c.1142C>T (p.Thr381Ile)

Gene: IL12RB2 (interleukin 12 receptor subunit beta 2; plus strand). Cytogenetic location: 1p31.3.
Variant type: single nucleotide variant.
Coding change: c.1142C>T on transcript NM_001374259.2 (MANE Select); coding-DNA position 1142, C replaced by T.
Protein change: p.Thr381Ile; replaces threonine 381 with isoleucine.
Molecular consequence: missense variant. On other transcripts: non-coding transcript variant (2).
Genome position (GRCh38, 1-based): chr1:67,350,973, C>T. VCF-style: chr1-67350973-C-T. GRCh37 (hg19) VCF-style: chr1-67816656-C-T.
Other names: c.1142C>T, p.Thr381Ile (NM_001258214.1, NM_001258215.1, NM_001258216.1 and 2 more transcripts); short protein forms T381I.
Identifiers: ClinVar variation 2173778 (VCV002173778.4), dbSNP rs982689199, ClinGen allele CA23518741.
Genomic context (GRCh38, chr1:67,350,973, plus strand): 5'-AGGTGACCTTGCAGGAGCTGACAGGAGGGAAAGCCATGACACAGAACATCACAGGACACA[C>T]CTCCTGGACCACAGTCATTCCTAGAACCGGAAATTGGGCTGTGGCTGTGTCTGCAGCAAA-3'
Protein context (NP_001361188.1, residues 371-391): KAMTQNITGH[Thr381Ile]SWTTVIPRTG